The following is an entry in ClinVar:

NM_000276.4(OCRL):c.1082G>T (p.Arg361Ile)

Gene: OCRL (OCRL inositol polyphosphate-5-phosphatase; plus strand). Cytogenetic location: Xq26.1.
Variant type: single nucleotide variant.
Coding change: c.1082G>T on transcript NM_000276.4 (MANE Select); coding-DNA position 1082, G replaced by T.
Protein change: p.Arg361Ile; replaces arginine 361 with isoleucine.
Molecular consequence: missense variant.
Genome position (GRCh38, 1-based): chrX:129,562,624, G>T. VCF-style: chrX-129562624-G-T. GRCh37 (hg19) VCF-style: chrX-128696601-G-T.
Other names: c.1085G>T, p.Arg362Ile (NM_001318784.2); c.1082G>T, p.Arg361Ile (NM_001587.4); short protein forms R361I, R362I.
Identifiers: ClinVar variation 68698 (VCV000068698.2), dbSNP rs137853832, ClinGen allele CA266142.

ClinVar aggregate classification (germline): Uncertain significance. Review status: criteria provided, single submitter (1 of 4 stars). 2 submissions from 2 submitters: Uncertain significance (1). 1 of the submissions does not count toward it. Last evaluated 2023-08-31.

Conditions:
Lowe syndrome (OCRL). Also called: PHOSPHATIDYLINOSITOL 4,5-BISPHOSPHATE 5-PHOSPHATASE DEFICIENCY; Oculocerebrorenal Syndrome; LOWE OCULOCEREBRORENAL SYNDROME. Identifiers: Orphanet 534, MedGen C0028860, MONDO:0010645, OMIM 309000.

Submissions (2):

Women's Health and Genetics/Laboratory Corporation of America, LabCorp
Classification: Uncertain significance. Last evaluated: 2023-08-31. Review status: criteria provided, single submitter. Criteria: LabCorp Variant Classification Summary - May 2015. Collection method: clinical testing. Allele origin: germline.
Comment: Variant summary: OCRL c.1082G>T (p.Arg361Ile) results in a non-conservative amino acid change located in the Inositol polyphosphate-related phosphatase domain (IPR000300) of the encoded protein sequence. Five of five in-silico tools predict a damaging effect of the variant on protein function. The variant was absent in 183407 control chromosomes (gnomAD). The available data on variant occurrences in the general population are insufficient to allow any conclusion about variant significance. c.1082G>T has been reported in the literature occuring in cis with another OCRL variant (c.1009C>T [p.Arg337Cys], ClinVar:68695, likely pathogenic) in an individual affected with Lowe Syndrome (Hichri_2011). This report does not provide unequivocal conclusions about association of the variant with Dent Disease. To our knowledge, no experimental evidence demonstrating an impact on protein function has been reported. The following publication has been ascertained in the context of this evaluation (PMID: 21031565). No submitters have cited clinical-significance assessments for this variant to ClinVar after 2014. Based on the evidence outlined above, the variant was classified as uncertain significance.

UniProtKB/Swiss-Prot
No classification provided. Condition: Lowe syndrome. Review status: no classification provided. Collection method: not provided. Allele origin: germline. Not counted in ClinVar's aggregate classification.

Literature cited by the submitters: PubMed 21031565 (cited by Women's Health and Genetics/Laboratory Corporation of America, LabCorp).